The following is an entry in ClinVar:

ClinVar aggregate classification (germline): Uncertain significance (1 of 4 stars; one submission).

Conditions:
Hereditary cancer-predisposing syndrome. Also called: Tumor predisposition; Hereditary Cancer Syndrome; Hereditary neoplastic syndrome; Neoplastic Syndromes, Hereditary. Identifiers: Orphanet 140162, MedGen C0027672, MeSH D009386, MONDO:0015356.

Submission:

Ambry Genetics
Classification: Uncertain significance for Hereditary cancer-predisposing syndrome. Last evaluated: 2024-05-08. Review status: criteria provided, single submitter. Criteria: Ambry Variant Classification Scheme 2023. Collection method: clinical testing. Allele origin: germline.
Comment: The p.G429E variant (also known as c.1286G>A), located in coding exon 8 of the PDGFRA gene, results from a G to A substitution at nucleotide position 1286. The glycine at codon 429 is replaced by glutamic acid, an amino acid with similar properties. This amino acid position is conserved. In addition, this alteration is predicted to be tolerated by in silico analysis. Based on the available evidence, the clinical significance of this variant remains unclear.

NM_006206.6(PDGFRA):c.1286G>A (p.Gly429Glu)

Gene: PDGFRA (platelet derived growth factor receptor alpha; plus strand). Cytogenetic location: 4q12.
Variant type: single nucleotide variant.
Coding change: c.1286G>A on transcript NM_006206.6 (MANE Select); coding-DNA position 1286, G replaced by A.
Protein change: p.Gly429Glu; replaces glycine 429 with glutamic acid.
Molecular consequence: missense variant.
Genome position (GRCh38, 1-based): chr4:54,272,442, G>A. VCF-style: chr4-54272442-G-A. GRCh37 (hg19) VCF-style: chr4-55138609-G-A.
Other names: c.1286G>A, p.Gly429Glu (NM_001347827.2, NM_001347829.2); c.1361G>A, p.Gly454Glu (NM_001347828.2); c.1325G>A, p.Gly442Glu (NM_001347830.2); short protein forms G429E, G454E, G442E.
Identifiers: ClinVar variation 3305482 (VCV003305482.1).